The following is an entry in ClinVar:

NM_001367823.1(ARHGEF18):c.968-298A>T

Gene: ARHGEF18 (Rho/Rac guanine nucleotide exchange factor 18; plus strand). Cytogenetic location: 19p13.2.
Variant type: single nucleotide variant.
Coding change: c.968-298A>T on transcript NM_001367823.1 (MANE Select); 298 bases into the intron before coding-DNA position 968, A replaced by T.
Molecular consequence: intron variant. On other transcripts: 5 prime UTR variant (1).
Genome position (GRCh38, 1-based): chr19:7,440,046, A>T. VCF-style: chr19-7440046-A-T. GRCh37 (hg19) VCF-style: chr19-7504932-A-T.
Other names: c.-57A>T (NM_001130955.2); c.-226-143A>T (NM_001367824.1); c.-71-298A>T (NM_015318.4).
Identifiers: ClinVar variation 3018532 (VCV003018532.4), dbSNP rs769056840, ClinGen allele CA9136260.

ClinVar aggregate classification (germline): Conflicting classifications of pathogenicity. Review status: criteria provided, conflicting classifications (1 of 4 stars). 2 submissions from 2 submitters: Pathogenic (1); Uncertain significance (1). Last evaluated 2024-01-12.

Allele frequency attached by ClinVar (database versions not stated): gnomAD exomes below 0.00001; TOPMed 0.00004; ExAC 0.00005; gnomAD 0.00005.
gnomAD v4.1: 11 of 1,550,620 alleles (0.00071%); highest among the groups gnomAD compares: African/African-American, 0.0082%; no homozygotes.

Submissions (2):

Labcorp Genetics (formerly Invitae), Labcorp
Classification: Pathogenic. Last evaluated: 2024-01-12. Review status: criteria provided, single submitter. Criteria: Invitae Variant Classification Sherloc (09022015). Collection method: clinical testing. Allele origin: germline.
Comment: This sequence change creates a premature translational stop signal (p.Lys36*) in the ARHGEF18 gene. It is expected to result in an absent or disrupted protein product. Loss-of-function variants in ARHGEF18 are known to be pathogenic (PMID: 28132693). This variant is present in population databases (rs769056840, gnomAD 0.01%). This variant has not been reported in the literature in individuals affected with ARHGEF18-related conditions. For these reasons, this variant has been classified as Pathogenic.

Blueprint Genetics
Classification: Uncertain significance. Last evaluated: 2022-01-31. Review status: criteria provided, single submitter. Criteria: ACMG Guidelines, 2015. Collection method: clinical testing. Allele origin: germline.

Literature cited by the submitters: PubMed 28132693 (cited by Labcorp Genetics (formerly Invitae), Labcorp).